The following is an entry in ClinVar:

NM_024675.4(PALB2):c.3463T>C (p.Ser1155Pro)

Gene: PALB2 (partner and localizer of BRCA2; minus strand). Cytogenetic location: 16p12.2.
Variant type: single nucleotide variant.
Coding change: c.3463T>C on transcript NM_024675.4 (MANE Select); coding-DNA position 3463, T replaced by C.
Protein change: p.Ser1155Pro; replaces serine 1155 with proline.
Molecular consequence: missense variant.
Genome position (GRCh38, 1-based): chr16:23,603,557, A>G on the plus strand (T>C on the coding strand, the complement: PALB2 is on the minus strand). VCF-style: chr16-23603557-A-G. GRCh37 (hg19) VCF-style: chr16-23614878-A-G.
Other names: short protein forms S1155P.
Identifiers: ClinVar variation 530110 (VCV000530110.10), dbSNP rs1555457858, ClinGen allele CA395138054.

ClinVar aggregate classification (germline): Uncertain significance. Review status: criteria provided, multiple submitters, no conflicts (2 of 4 stars). 2 submissions from 2 submitters: Uncertain significance (2). Last evaluated 2024-08-19.

Conditions:
Familial cancer of breast. Also called: BREAST CANCER, FAMILIAL; Hereditary breast cancer; hereditary breast carcinoma. Identifiers: Orphanet 227535, MedGen C0346153, MONDO:0016419, OMIM 114480. Disease mechanism: loss of function.
Hereditary cancer-predisposing syndrome. Also called: Hereditary neoplastic syndrome; Neoplastic Syndromes, Hereditary; Hereditary Cancer Syndrome; Tumor predisposition. Identifiers: Orphanet 140162, MedGen C0027672, MeSH D009386, MONDO:0015356.

Submissions (2):

Ambry Genetics
Classification: Uncertain significance for Hereditary cancer-predisposing syndrome. Last evaluated: 2024-08-19. Review status: criteria provided, single submitter. Criteria: Ambry Variant Classification Scheme 2023. Collection method: clinical testing. Allele origin: germline.
Comment: The p.S1155P variant (also known as c.3463T>C), located in coding exon 13 of the PALB2 gene, results from a T to C substitution at nucleotide position 3463. The serine at codon 1155 is replaced by proline, an amino acid with similar properties. This amino acid position is conserved. In addition, this alteration is predicted to be tolerated by in silico analysis. Based on the available evidence, the clinical significance of this variant remains unclear.

Labcorp Genetics (formerly Invitae), Labcorp
Classification: Uncertain significance for Familial cancer of breast. Last evaluated: 2021-07-24. Review status: criteria provided, single submitter. Criteria: Invitae Variant Classification Sherloc (09022015). Collection method: clinical testing. Allele origin: germline.
Comment: In summary, the available evidence is currently insufficient to determine the role of this variant in disease. Therefore, it has been classified as a Variant of Uncertain Significance. Algorithms developed to predict the effect of missense changes on protein structure and function (SIFT, PolyPhen-2, Align-GVGD) all suggest that this variant is likely to be tolerated, but these predictions have not been confirmed by published functional studies and their clinical significance is uncertain. This variant has not been reported in the literature in individuals with PALB2-related disease. This variant is not present in population databases (ExAC no frequency). This sequence change replaces serine with proline at codon 1155 of the PALB2 protein (p.Ser1155Pro). The serine residue is moderately conserved and there is a moderate physicochemical difference between serine and proline.